The following is an entry in ClinVar:

NM_001397406.1(FDX2):c.40G>C (p.Val14Leu)

Genes: FDX2-ZGLP1 (FDX2-ZGLP1 readthrough (NMD candidate); minus strand), FDX2 (ferredoxin 2; minus strand). Cytogenetic location: 19p13.2.
Variant type: single nucleotide variant.
Coding change: c.40G>C on transcript NM_001397406.1 (MANE Select); coding-DNA position 40, G replaced by C.
Protein change: p.Val14Leu; replaces valine 14 with leucine.
Molecular consequence: missense variant. On other transcripts: non-coding transcript variant (2).
Genome position (GRCh38, 1-based): chr19:10,315,957, C>G on the plus strand (G>C on the coding strand, the complement: FDX2 is on the minus strand). VCF-style: chr19-10315957-C-G. GRCh37 (hg19) VCF-style: chr19-10426633-C-G.
Other names: short protein forms V14L.
Identifiers: ClinVar variation 509062 (VCV000509062.16), dbSNP rs540761649, ClinGen allele CA9191366.

ClinVar aggregate classification (germline): Benign/Likely benign. Review status: criteria provided, multiple submitters, no conflicts (2 of 4 stars). 4 submissions from 4 submitters: Benign (2); Likely benign (1). 1 of the submissions does not count toward it. Last evaluated 2025-10-14.

Conditions:
FDX2-related disorder. Also called: FDX2-related condition.

Allele frequency attached by ClinVar (database versions not stated): gnomAD 0.00002; TOPMed 0.00008; 1000 Genomes Project 30x 0.00234; 1000 Genomes Project 0.00260.
gnomAD v4.1: 1,017 of 1,611,098 alleles (0.063%); highest among the groups gnomAD compares: South Asian, 1%; 13 homozygotes.

Submissions (4):

Labcorp Genetics (formerly Invitae), Labcorp
Classification: Benign. Last evaluated: 2025-10-14. Review status: criteria provided, single submitter. Criteria: Invitae Variant Classification Sherloc (09022015). Collection method: clinical testing. Allele origin: germline.

Blueprint Genetics
Classification: Likely benign. Last evaluated: 2024-09-30. Review status: criteria provided, single submitter. Criteria: ACMG Guidelines, 2015. Collection method: clinical testing. Allele origin: germline.

GeneDx
Classification: Benign. Last evaluated: 2019-02-22. Review status: criteria provided, single submitter. Criteria: GeneDx Variant Classification Process June 2021. Collection method: clinical testing. Allele origin: germline. Affected: yes.

PreventionGenetics, part of Exact Sciences
Classification: Benign for FDX2-related condition. Last evaluated: 2020-03-25. Review status: no assertion criteria provided. Collection method: clinical testing. Allele origin: germline. Not counted in ClinVar's aggregate classification.
Comment: This variant is classified as benign based on ACMG/AMP sequence variant interpretation guidelines (Richards et al. 2015 PMID: 25741868, with internal and published modifications).